The following is an entry in ClinVar:

ClinVar aggregate classification (germline): Uncertain significance (1 of 4 stars; one submission).

gnomAD v4.1: 1 of 1,611,960 alleles (0.000062%); highest among the groups gnomAD compares: Admixed American, 0.0017%; no homozygotes.

Submission:

Ambry Genetics
Classification: Uncertain significance. Last evaluated: 2025-06-20. Review status: criteria provided, single submitter. Criteria: Ambry Variant Classification Scheme 2023. Collection method: clinical testing. Allele origin: germline.
Comment: The p.L817P variant (also known as c.2450T>C), located in coding exon 11 of the WNK2 gene, results from a T to C substitution at nucleotide position 2450. The leucine at codon 817 is replaced by proline, an amino acid with similar properties. This amino acid position is conserved. In addition, the in silico prediction for this alteration is inconclusive. Based on the available evidence, the clinical significance of this variant remains unclear.

NM_006648.4(WNK2):c.2450T>C (p.Leu817Pro)

Gene: WNK2 (WNK lysine deficient protein kinase 2; plus strand). Cytogenetic location: 9q22.31.
Variant type: single nucleotide variant.
Coding change: c.2450T>C on transcript NM_006648.4 (MANE Select); coding-DNA position 2450, T replaced by C.
Protein change: p.Leu817Pro; replaces leucine 817 with proline.
Molecular consequence: missense variant.
Genome position (GRCh38, 1-based): chr9:93,258,998, T>C. VCF-style: chr9-93258998-T-C. GRCh37 (hg19) VCF-style: chr9-96021280-T-C.
Other names: c.2450T>C, p.Leu817Pro (NM_001282394.3); short protein forms L817P.
Identifiers: ClinVar variation 4201520 (VCV004201520.1).